The following is an entry in ClinVar:

ClinVar aggregate classification (germline): Uncertain significance. Review status: criteria provided, multiple submitters, no conflicts (2 of 4 stars). 2 submissions from 2 submitters: Uncertain significance (2). Last evaluated 2025-08-11.

Conditions:
Immunodeficiency 51 (IMD51). Also called: CANDIDIASIS, FAMILIAL, 5. Identifiers: Orphanet 1334, MedGen C4310803, MONDO:0013500, OMIM 613953.

Allele frequency attached by ClinVar (database versions not stated): TOPMed 0.00002.
gnomAD v4.1: 10 of 1,613,782 alleles (0.00062%); highest among the groups gnomAD compares: Admixed American, 0.017%; no homozygotes.

Submissions (2):

Ambry Genetics
Classification: Uncertain significance. Last evaluated: 2025-08-11. Review status: criteria provided, single submitter. Criteria: Ambry Variant Classification Scheme 2023. Collection method: clinical testing. Allele origin: germline.

Labcorp Genetics (formerly Invitae), Labcorp
Classification: Uncertain significance for Immunodeficiency 51. Last evaluated: 2024-11-05. Review status: criteria provided, single submitter. Criteria: Invitae Variant Classification Sherloc (09022015). Collection method: clinical testing. Allele origin: germline.
Comment: This sequence change replaces isoleucine, which is neutral and non-polar, with methionine, which is neutral and non-polar, at codon 106 of the IL17RA protein (p.Ile106Met). This variant is present in population databases (no rsID available, gnomAD 0.02%). This variant has not been reported in the literature in individuals affected with IL17RA-related conditions. ClinVar contains an entry for this variant (Variation ID: 1014687). Invitae Evidence Modeling of protein sequence and biophysical properties (such as structural, functional, and spatial information, amino acid conservation, physicochemical variation, residue mobility, and thermodynamic stability) indicates that this missense variant is expected to disrupt IL17RA protein function with a positive predictive value of 80%. In summary, the available evidence is currently insufficient to determine the role of this variant in disease. Therefore, it has been classified as a Variant of Uncertain Significance.

NM_014339.7(IL17RA):c.318C>G (p.Ile106Met)

Gene: IL17RA (interleukin 17 receptor A; plus strand). Cytogenetic location: 22q11.1.
Variant type: single nucleotide variant.
Coding change: c.318C>G on transcript NM_014339.7 (MANE Select); coding-DNA position 318, C replaced by G.
Protein change: p.Ile106Met; replaces isoleucine 106 with methionine.
Molecular consequence: missense variant.
Genome position (GRCh38, 1-based): chr22:17,098,782, C>G. VCF-style: chr22-17098782-C-G. GRCh37 (hg19) VCF-style: chr22-17579672-C-G.
Other names: c.318C>G (NM_014339.5); c.318C>G, p.Ile106Met (NM_001289905.2); short protein forms I106M.
Identifiers: ClinVar variation 1014687 (VCV001014687.10), dbSNP rs746727468, ClinGen allele CA410211266.